The following is an entry in ClinVar:

ClinVar aggregate classification (germline): Uncertain significance. Review status: criteria provided, multiple submitters, no conflicts (2 of 4 stars). 2 submissions from 2 submitters: Uncertain significance (2). Last evaluated 2025-05-06.

gnomAD v4.1: 14 of 1,614,040 alleles (0.00087%); highest among the groups gnomAD compares: Non-Finnish European, 0.0012%; no homozygotes.

Submissions (2):

Ambry Genetics
Classification: Uncertain significance. Last evaluated: 2025-05-06. Review status: criteria provided, single submitter. Criteria: Ambry Variant Classification Scheme 2023. Collection method: clinical testing. Allele origin: germline.

Labcorp Genetics (formerly Invitae), Labcorp
Classification: Uncertain significance. Last evaluated: 2025-03-20. Review status: criteria provided, single submitter. Criteria: Invitae Variant Classification Sherloc (09022015). Collection method: clinical testing. Allele origin: germline.
Comment: This sequence change replaces serine, which is neutral and polar, with cysteine, which is neutral and slightly polar, at codon 985 of the NIN protein (p.Ser985Cys). This variant is present in population databases (rs765552945, gnomAD 0.003%). This variant has not been reported in the literature in individuals affected with NIN-related conditions. ClinVar contains an entry for this variant (Variation ID: 3005811). An algorithm developed to predict the effect of missense changes on protein structure and function outputs the following: PolyPhen-2: "Benign". The cysteine amino acid residue is found in multiple mammalian species, which suggests that this missense change does not adversely affect protein function. In summary, the available evidence is currently insufficient to determine the role of this variant in disease. Therefore, it has been classified as a Variant of Uncertain Significance.

NM_020921.4(NIN):c.2954C>G (p.Ser985Cys)

Gene: NIN (ninein; minus strand). Cytogenetic location: 14q22.1.
Variant type: single nucleotide variant.
Coding change: c.2954C>G on transcript NM_020921.4 (MANE Select); coding-DNA position 2954, C replaced by G.
Protein change: p.Ser985Cys; replaces serine 985 with cysteine.
Molecular consequence: missense variant. On other transcripts: intron variant (1).
Genome position (GRCh38, 1-based): chr14:50,758,076, G>C on the plus strand (C>G on the coding strand, the complement: NIN is on the minus strand). VCF-style: chr14-50758076-G-C. GRCh37 (hg19) VCF-style: chr14-51224794-G-C.
Other names: c.2954C>G, p.Ser985Cys (NM_182944.3, NM_182946.2); c.2399+1781C>G (NM_016350.5); c.2954C>G (NM_020921.3); short protein forms S985C.
Identifiers: ClinVar variation 3005811 (VCV003005811.4), dbSNP rs765552945, ClinGen allele CA7181831.